The following is an entry in ClinVar:

NM_001372.4(DNAH9):c.5382T>G (p.Ile1794Met)

Gene: DNAH9 (dynein axonemal heavy chain 9; plus strand). Cytogenetic location: 17p12.
Variant type: single nucleotide variant.
Coding change: c.5382T>G on transcript NM_001372.4 (MANE Select); coding-DNA position 5382, T replaced by G.
Protein change: p.Ile1794Met; replaces isoleucine 1794 with methionine.
Molecular consequence: missense variant.
Genome position (GRCh38, 1-based): chr17:11,704,433, T>G. VCF-style: chr17-11704433-T-G. GRCh37 (hg19) VCF-style: chr17-11607750-T-G.
Other names: short protein forms I1794M.
Identifiers: ClinVar variation 3659164 (VCV003659164.2).

ClinVar aggregate classification (germline): Uncertain significance (1 of 4 stars; one submission).

gnomAD v4.1: 1 of 1,612,908 alleles (0.000062%); highest among the groups gnomAD compares: East Asian, 0.0022%; no homozygotes.

Submission:

Labcorp Genetics (formerly Invitae), Labcorp
Classification: Uncertain significance. Last evaluated: 2024-07-10. Review status: criteria provided, single submitter. Criteria: Invitae Variant Classification Sherloc (09022015). Collection method: clinical testing. Allele origin: germline.
Comment: This sequence change replaces isoleucine, which is neutral and non-polar, with methionine, which is neutral and non-polar, at codon 1794 of the DNAH9 protein (p.Ile1794Met). This variant is present in population databases (no rsID available, gnomAD 0.06%). This variant has not been reported in the literature in individuals affected with DNAH9-related conditions. Advanced modeling of protein sequence and biophysical properties (such as structural, functional, and spatial information, amino acid conservation, physicochemical variation, residue mobility, and thermodynamic stability) performed at Invitae indicates that this missense variant is not expected to disrupt DNAH9 protein function with a negative predictive value of 80%. In summary, the available evidence is currently insufficient to determine the role of this variant in disease. Therefore, it has been classified as a Variant of Uncertain Significance.